The following is an entry in ClinVar:

ClinVar aggregate classification (germline): Pathogenic/Likely pathogenic. Review status: criteria provided, multiple submitters, no conflicts (2 of 4 stars). 2 submissions from 2 submitters: Pathogenic (1); Likely pathogenic (1). Last evaluated 2026-02-08.

Conditions:
Telangiectasia, hereditary hemorrhagic, type 5 (HHT5). Identifiers: Orphanet 774, MedGen C3809710, MONDO:0014217, OMIM 615506.

Allele frequency attached by ClinVar (database versions not stated): gnomAD 0.00001 and below 0.00001; gnomAD exomes 0.00001; TOPMed below 0.00001.
gnomAD v4.1: 8 of 1,549,882 alleles (0.00052%); highest among the groups gnomAD compares: South Asian, 0.0012%; no homozygotes.

Submissions (2):

GeneDx
Classification: Likely pathogenic. Last evaluated: 2026-02-08. Review status: criteria provided, single submitter. Criteria: GeneDx Variant Classification Process June 2021. Collection method: clinical testing. Allele origin: germline.
Comment: Published functional studies demonstrate a damaging effect: reduced BMP9 secretion and impaired anti-apoptotic activity in vitro (PMID: 30578397 using alternate gene name of BMP9); Not observed at significant frequency in large population cohorts (gnomAD); In silico analysis supports that this missense variant has a deleterious effect on protein structure/function; This variant is associated with the following publications: (PMID: 30578397, 33007923, 31727138)

Labcorp Genetics (formerly Invitae), Labcorp
Classification: Pathogenic for Telangiectasia, hereditary hemorrhagic, type 5. Last evaluated: 2026-01-20. Review status: criteria provided, single submitter. Criteria: Invitae Variant Classification Sherloc (09022015). Collection method: clinical testing. Allele origin: germline.
Comment: This sequence change replaces valine, which is neutral and non-polar, with methionine, which is neutral and non-polar, at codon 423 of the GDF2 protein (p.Val423Met). This variant is not present in population databases (gnomAD no frequency). This missense change has been observed in individuals with pulmonary arterial hypertension (PMID: 30578397, 31727138, 33007923). ClinVar contains an entry for this variant (Variation ID: 541539). Invitae Evidence Modeling of protein sequence and biophysical properties (such as structural, functional, and spatial information, amino acid conservation, physicochemical variation, residue mobility, and thermodynamic stability) has been performed for this missense variant. However, the output from this modeling did not meet the statistical confidence thresholds required to predict the impact of this variant on GDF2 protein function. Experimental studies have shown that this missense change affects GDF2 function (PMID: 30578397). For these reasons, this variant has been classified as Pathogenic.

Literature cited by the submitters: PubMed 30578397 (cited by Labcorp Genetics (formerly Invitae), Labcorp); PubMed 31727138 (cited by Labcorp Genetics (formerly Invitae), Labcorp); PubMed 33007923 (cited by Labcorp Genetics (formerly Invitae), Labcorp).

NM_016204.4(GDF2):c.1267G>A (p.Val423Met)

Gene: GDF2 (growth differentiation factor 2; plus strand). Cytogenetic location: 10q11.22.
Variant type: single nucleotide variant.
Coding change: c.1267G>A on transcript NM_016204.4 (MANE Select); coding-DNA position 1267, G replaced by A.
Protein change: p.Val423Met; replaces valine 423 with methionine.
Molecular consequence: missense variant.
Genome position (GRCh38, 1-based): chr10:47,325,761, G>A. VCF-style: chr10-47325761-G-A. GRCh37 (hg19) VCF-style: chr10-48413601-C-T.
Other names: short protein forms V423M.
Identifiers: ClinVar variation 541539 (VCV000541539.9), dbSNP rs1358534877, ClinGen allele CA376659107.